The following is an entry in ClinVar:

ClinVar aggregate classification (germline): Likely pathogenic (1 of 4 stars; one submission).

Conditions:
Fabry disease. Also called: ALPHA-GALACTOSIDASE A DEFICIENCY; ANDERSON-FABRY DISEASE; CERAMIDE TRIHEXOSIDASE DEFICIENCY; GLA DEFICIENCY; HEREDITARY DYSTOPIC LIPIDOSIS; Angiokeratoma corporis diffusum. Identifiers: Orphanet 324, MedGen C0002986, MONDO:0010526, OMIM 301500, HP:0001071. Disease mechanism: Fabry disease is due to inactivating mutations in the X-linked GLA gene resulting in deficiency of the enzyme Alpha Galactosidase-A., loss of function.

Submission:

Genomenon, Inc
Classification: Likely pathogenic for Fabry disease. Last evaluated: 2026-09-08. Review status: criteria provided, single submitter. Criteria: Genomenon Sequence Variant Interpretation Standards - Updated. Collection method: curation. Allele origin: germline. Affected: yes.
Comment: GLA p.Asn320Lys (c.960T>G) is a missense variant that changes the amino acid at codon 320 from Asparagine to Lysine. This variant has been observed in at least one proband with clinical features consistent with Fabry disease (PMID:9213168). At least one functional study has demonstrated a substantial alteration in protein function relative to the wild-type (PMID:27657681). It is absent or not present at a significant frequency in gnomAD. In silico models predict that this variant is possibly or probably damaging. In conclusion, we classify GLA p.Asn320Lys (c.960T>G) as a likely pathogenic variant.

Literature cited by the submitters: PubMed 9213168; PubMed 27657681.

NM_000169.3(GLA):c.960T>G (p.Asn320Lys)

Genes: GLA (galactosidase alpha; minus strand), RPL36A-HNRNPH2 (RPL36A-HNRNPH2 readthrough; plus strand). Cytogenetic location: Xq22.1.
Variant type: single nucleotide variant.
Coding change: c.960T>G on transcript NM_000169.3 (MANE Select); coding-DNA position 960, T replaced by G.
Protein change: p.Asn320Lys; replaces asparagine 320 with lysine.
Molecular consequence: missense variant. On other transcripts: non-coding transcript variant (3), intron variant (2).
Genome position (GRCh38, 1-based): chrX:101,398,409, A>C on the plus strand (T>G on the coding strand, the complement: GLA is on the minus strand). VCF-style: chrX-101398409-A-C. GRCh37 (hg19) VCF-style: chrX-100653397-A-C.
Other names: c.1083T>G, p.Asn361Lys (NM_001406747.1); c.960T>G, p.Asn320Lys (NM_001406748.1); c.300+2952A>C (NM_001199973.2); c.177+6587A>C (NM_001199974.2); short protein forms N320K, N361K.
Identifiers: ClinVar variation 4087601 (VCV004087601.2).